The following is an entry in ClinVar:

NM_078480.3(PUF60):c.368G>C (p.Arg123Pro)

Gene: PUF60 (poly(U) binding splicing factor 60; minus strand). Cytogenetic location: 8q24.3.
Variant type: single nucleotide variant.
Coding change: c.368G>C on transcript NM_078480.3 (MANE Select); coding-DNA position 368, G replaced by C.
Protein change: p.Arg123Pro; replaces arginine 123 with proline.
Molecular consequence: missense variant.
Genome position (GRCh38, 1-based): chr8:143,818,515, C>G on the plus strand (G>C on the coding strand, the complement: PUF60 is on the minus strand). VCF-style: chr8-143818515-C-G. GRCh37 (hg19) VCF-style: chr8-144900685-C-G.
Other names: c.239G>C, p.Arg80Pro (NM_001136033.3); c.314G>C, p.Arg105Pro (NM_001271096.2); c.230G>C, p.Arg77Pro (NM_001271097.2); c.365G>C, p.Arg122Pro (NM_001271098.2); c.281G>C, p.Arg94Pro (NM_001271099.2); c.188G>C, p.Arg63Pro (NM_001271100.2); c.479G>C, p.Arg160Pro (NM_001362895.2, NM_001362896.2); c.428G>C, p.Arg143Pro (NM_001362897.2); and 1 more; short protein forms R105P, R106P, R122P, R123P, R143P, R160P, R63P, R77P.
Identifiers: ClinVar variation 4537370 (VCV004537370.1).

ClinVar aggregate classification (germline): Likely pathogenic (1 of 4 stars; one submission).

Conditions:
8q24.3 microdeletion syndrome. Also called: CHROMOSOME 8q24.3 DELETION SYNDROME; Verheij syndrome. Identifiers: Orphanet 508488, MedGen C3810023, MONDO:0014263, OMIM 615583.

Submission:

Genetics Department, Catlab
Classification: Likely pathogenic for 8q24.3 microdeletion syndrome. Last evaluated: 2025-05-14. Review status: criteria provided, single submitter. Criteria: ACMG Guidelines, 2015. Collection method: clinical testing. Allele origin: germline. Affected: yes. Observed: 1 variant allele.
Comment: The variant is located in a region where other missense variants have been classified as pathogenic and with red missense constraint in Decipher (PM1_moderate). In addition, the c.367C>T variant that creates the change p.Arg123Trp in the same position has appeared de novo in patient with with intellectual disability, short stature, speech delay, hypotonia, agenesis of the corpus callosum, seizures, macrocephaly and dysmorphic features (PMID:30006928)(PM5_moderate). Moreover, the variant is absent from gnomAD v4.1 (PM2_moderate) and the gene has a missense z-score of 4.93 (PP2_supporting). With all the available evidence, the variant is classified as likely pathogenic.

Literature cited by the submitters: PubMed 30006928.